The following is an entry in ClinVar:

ClinVar aggregate classification (germline): Likely benign. Review status: criteria provided, multiple submitters, no conflicts (2 of 4 stars). 3 submissions from 3 submitters: Likely benign (3). Last evaluated 2025-09-20.

Conditions:
Cardiovascular phenotype. Identifiers: MedGen CN230736.

Allele frequency attached by ClinVar (database versions not stated): gnomAD 0.00001; TOPMed 0.00003; gnomAD exomes 0.00004 and below 0.00001.
gnomAD v4.1: 58 of 1,614,042 alleles (0.0036%); highest among the groups gnomAD compares: Non-Finnish European, 0.0047%; no homozygotes.

Submissions (3):

Labcorp Genetics (formerly Invitae), Labcorp
Classification: Likely benign. Last evaluated: 2025-09-20. Review status: criteria provided, single submitter. Criteria: Invitae Variant Classification Sherloc (09022015). Collection method: clinical testing. Allele origin: germline.

Ambry Genetics
Classification: Likely benign for Cardiovascular phenotype. Last evaluated: 2022-06-27. Review status: criteria provided, single submitter. Criteria: Ambry Variant Classification Scheme 2023. Collection method: clinical testing. Allele origin: germline.

GeneDx
Classification: Likely benign. Last evaluated: 2018-05-03. Review status: criteria provided, single submitter. Criteria: GeneDx Variant Classification (06012015). Collection method: clinical testing. Allele origin: germline. Affected: yes.
Comment: This variant is considered likely benign or benign based on one or more of the following criteria: it is a conservative change, it occurs at a poorly conserved position in the protein, it is predicted to be benign by multiple in silico algorithms, and/or has population frequency not consistent with disease.

NM_020778.5(ALPK3):c.4191C>T (p.Cys1397=)

Gene: ALPK3 (alpha kinase 3; plus strand). Cytogenetic location: 15q25.3.
Variant type: single nucleotide variant.
Coding change: c.4191C>T on transcript NM_020778.5 (MANE Select); coding-DNA position 4191, C replaced by T.
Protein change: p.Cys1397=; no amino-acid change (cysteine 1397 retained).
Molecular consequence: synonymous variant.
Genome position (GRCh38, 1-based): chr15:84,862,696, C>T. VCF-style: chr15-84862696-C-T. GRCh37 (hg19) VCF-style: chr15-85405927-C-T.
Identifiers: ClinVar variation 682594 (VCV000682594.10), dbSNP rs929049789, ClinGen allele CA273631287.